The following is an entry in ClinVar:

NM_001267550.2(TTN):c.32648G>A (p.Arg10883Lys)

Gene: TTN (titin; minus strand). Cytogenetic location: 2q31.2.
Variant type: single nucleotide variant.
Coding change: c.32648G>A on transcript NM_001267550.2 (MANE Select); coding-DNA position 32648, G replaced by A.
Protein change: p.Arg10883Lys; replaces arginine 10883 with lysine.
Molecular consequence: missense variant. On other transcripts: intron variant (3).
Genome position (GRCh38, 1-based): chr2:178,684,404, C>T on the plus strand (G>A on the coding strand, the complement: TTN is on the minus strand). VCF-style: chr2-178684404-C-T. GRCh37 (hg19) VCF-style: chr2-179549131-C-T.
Other names: p.R10566K:AGG>AAG; p.Arg10566Lys; c.31697G>A, p.Arg10566Lys (NM_001256850.1); c.28916G>A, p.Arg9639Lys (NM_133378.4); c.13283-42087G>A (NM_003319.4); c.13859-42087G>A (NM_133437.4); c.13658-42087G>A (NM_133432.3); short protein forms R10883K, R10566K, R9639K.
Identifiers: ClinVar variation 46874 (VCV000046874.52), dbSNP rs116676813, ClinGen allele CA283123.

ClinVar aggregate classification (germline): Benign/Likely benign. Review status: criteria provided, multiple submitters, no conflicts (2 of 4 stars). 28 submissions from 21 submitters: Benign (17); Likely benign (6). 5 of the submissions do not count toward it. Last evaluated 2026-02-04.

Conditions:
Cardiovascular phenotype. Identifiers: MedGen CN230736.
Dilated cardiomyopathy 1G (CMD1G). Identifiers: Orphanet 154, MedGen C1858763, MONDO:0011400, OMIM 604145.
Autosomal recessive limb-girdle muscular dystrophy type 2J (LGMDR10). Also called: MUSCULAR DYSTROPHY, LIMB-GIRDLE, AUTOSOMAL RECESSIVE 10; Limb-girdle muscular dystrophy, type 2J. Identifiers: Orphanet 140922, MedGen C1837342, MONDO:0012127, OMIM 608807.
Early-onset myopathy with fatal cardiomyopathy (CMYO5). Also called: CONGENITAL MYOPATHY 5 WITH CARDIOMYOPATHY; Salih Myopathy. Identifiers: Orphanet 289377, MedGen C2673677, MONDO:0012714, OMIM 611705. Disease mechanism: loss of function.
Myopathy, myofibrillar, 9, with early respiratory failure (MFM9). Also called: Myopathy, distal, with early respiratory failure, autosomal dominant; Hereditary myopathy with early respiratory failure; MYOPATHY, PROXIMAL, WITH EARLY RESPIRATORY MUSCLE INVOLVEMENT; EDSTROM MYOPATHY. Identifiers: Orphanet 178464, Orphanet 34521, MedGen C1863599, MONDO:0011362, OMIM 603689.
Tibial muscular dystrophy (TMD). Also called: Udd Distal Myopathy – Tibial Muscular Dystrophy; Tibial muscular dystrophy, tardive; UDD MYOPATHY. Identifiers: Orphanet 609, MedGen C1838244, MONDO:0010870, OMIM 600334.

Allele frequency attached by ClinVar (database versions not stated): ExAC 0.01241; gnomAD 0.01242 and 0.01208; 1000 Genomes Project 30x 0.00484; TOPMed 0.00931; 1000 Genomes Project 0.00539; gnomAD exomes 0.01158 and 0.01620; ESP Exome Variant Server 0.01330.
gnomAD v4.1: 25,353 of 1,613,186 alleles (1.6%); highest among the groups gnomAD compares: Non-Finnish European, 1.8%; 243 homozygotes.

Submissions (28):

Labcorp Genetics (formerly Invitae), Labcorp
Classification: Benign for Dilated cardiomyopathy 1G; Autosomal recessive limb-girdle muscular dystrophy type 2J. Last evaluated: 2026-02-04. Review status: criteria provided, single submitter. Criteria: Invitae Variant Classification Sherloc (09022015). Collection method: clinical testing. Allele origin: germline.

ARUP Laboratories, Molecular Genetics and Genomics, ARUP Laboratories
Classification: Benign. Last evaluated: 2025-04-23. Review status: criteria provided, single submitter. Criteria: ARUP Molecular Germline Variant Investigation Process 2024. Collection method: clinical testing. Allele origin: germline.

Molecular Diagnostic Laboratory for Inherited Cardiovascular Disease, Montreal Heart Institute
Classification: Likely benign. Last evaluated: 2025-04-09. Review status: criteria provided, single submitter. Criteria: ACMG Guidelines, 2015. Collection method: clinical testing. Allele origin: germline. Affected: no.
Comment: BS1;BP6

Blueprint Genetics
Classification: Benign. Last evaluated: 2024-11-25. Review status: criteria provided, single submitter. Criteria: ACMG Guidelines, 2015. Collection method: clinical testing. Allele origin: germline.

Mayo Clinic Laboratories, Mayo Clinic
Classification: Benign. Last evaluated: 2022-08-23. Review status: criteria provided, single submitter. Criteria: ACMG Guidelines, 2015. Collection method: clinical testing. Allele origin: germline. Observed: 76 variant alleles.
Comment: BS1, BS2, BP4

Genetic Services Laboratory, University of Chicago
Classification: Benign. Last evaluated: 2022-01-03. Review status: criteria provided, single submitter. Criteria: ACMG Guidelines, 2015. Collection method: clinical testing. Allele origin: germline. Affected: no.

Genome-Nilou Lab
Classification: Benign for Autosomal recessive limb-girdle muscular dystrophy type 2J. Last evaluated: 2021-09-10. Review status: criteria provided, single submitter. Criteria: ACMG Guidelines, 2015. Collection method: clinical testing. Allele origin: germline. Affected: no.

Genome-Nilou Lab
Classification: Benign for Myopathy, myofibrillar, 9, with early respiratory failure. Last evaluated: 2021-09-10. Review status: criteria provided, single submitter. Criteria: ACMG Guidelines, 2015. Collection method: clinical testing. Allele origin: germline. Affected: no.

Genome-Nilou Lab
Classification: Benign for Early-onset myopathy with fatal cardiomyopathy. Last evaluated: 2021-09-10. Review status: criteria provided, single submitter. Criteria: ACMG Guidelines, 2015. Collection method: clinical testing. Allele origin: germline. Affected: no.

Genome-Nilou Lab
Classification: Benign for Tibial muscular dystrophy. Last evaluated: 2021-09-10. Review status: criteria provided, single submitter. Criteria: ACMG Guidelines, 2015. Collection method: clinical testing. Allele origin: germline. Affected: no.

Women's Health and Genetics/Laboratory Corporation of America, LabCorp
Classification: Likely benign. Last evaluated: 2020-12-06. Review status: criteria provided, single submitter. Criteria: LabCorp Variant Classification Summary - May 2015. Collection method: clinical testing. Allele origin: germline.

Athena Diagnostics
Classification: Benign. Last evaluated: 2019-04-25. Review status: criteria provided, single submitter. Criteria: Athena Diagnostics Criteria. Collection method: clinical testing. Allele origin: germline.

Illumina Laboratory Services, Illumina
Classification: Likely benign for Autosomal recessive limb-girdle muscular dystrophy type 2J. Last evaluated: 2018-01-12. Review status: criteria provided, single submitter. Criteria: ICSL Variant Classification Criteria 13 December 2019. Collection method: clinical testing. Allele origin: germline.
Comment: This variant was observed in the ICSL laboratory as part of a predisposition screen in an ostensibly healthy population. It had not been previously curated by ICSL or reported in the Human Gene Mutation Database (HGMD: prior to June 1st, 2018), and was therefore a candidate for classification through an automated scoring system. Utilizing variant allele frequency, disease prevalence and penetrance estimates, and inheritance mode, an automated score was calculated to assess if this variant is too frequent to cause the disease. Based on the score and internal cut-off values, a variant classified as likely benign is not then subjected to further curation. The score for this variant resulted in a classification of likely benign for this disease.

Illumina Laboratory Services, Illumina
Classification: Likely benign for Early-onset myopathy with fatal cardiomyopathy. Last evaluated: 2018-01-12. Review status: criteria provided, single submitter. Criteria: ICSL Variant Classification Criteria 13 December 2019. Collection method: clinical testing. Allele origin: germline.
Comment: the same text as in the submission from Illumina Laboratory Services, Illumina above.

Illumina Laboratory Services, Illumina
Classification: Likely benign for Dilated cardiomyopathy 1G. Last evaluated: 2018-01-12. Review status: criteria provided, single submitter. Criteria: ICSL Variant Classification Criteria 13 December 2019. Collection method: clinical testing. Allele origin: germline.
Comment: the same text as in the submission from Illumina Laboratory Services, Illumina above.

Illumina Laboratory Services, Illumina
Classification: Benign for Myopathy, myofibrillar, 9, with early respiratory failure. Last evaluated: 2018-01-12. Review status: criteria provided, single submitter. Criteria: ICSL Variant Classification Criteria 13 December 2019. Collection method: clinical testing. Allele origin: germline.
Comment: This variant was observed in the ICSL laboratory as part of a predisposition screen in an ostensibly healthy population. It had not been previously curated by ICSL or reported in the Human Gene Mutation Database (HGMD: prior to June 1st, 2018), and was therefore a candidate for classification through an automated scoring system. Utilizing variant allele frequency, disease prevalence and penetrance estimates, and inheritance mode, an automated score was calculated to assess if this variant is too frequent to cause the disease. Based on the score and internal cut-off values, a variant classified as benign is not then subjected to further curation. The score for this variant resulted in a classification of benign for this disease.

Illumina Laboratory Services, Illumina
Classification: Benign for Tibial muscular dystrophy. Last evaluated: 2018-01-12. Review status: criteria provided, single submitter. Criteria: ICSL Variant Classification Criteria 13 December 2019. Collection method: clinical testing. Allele origin: germline.
Comment: the same text as in the submission from Illumina Laboratory Services, Illumina above.

Biesecker Lab/Clinical Genomics Section, National Institutes of Health
Classification: Benign. Last evaluated: 2013-06-24. Review status: criteria provided, single submitter. Criteria: Ng et al. (Circ Cardiovasc Genet. 2013). Collection method: research. Allele origin: unknown. Observed: 13 variant alleles. Study: ClinSeq.
Comment: The study set was not selected for affection status in relation to any cancer. Pathogenicity categories were based on literature curation. See Pubmed ID:23861362 for details.

Medical sequencing

Ambry Genetics
Classification: Benign for Cardiovascular phenotype. Last evaluated: 2013-03-29. Review status: criteria provided, single submitter. Criteria: Ambry Autosomal Dominant and X-Linked criteria (10/2015). Collection method: clinical testing. Allele origin: germline. Observed: 1 variant allele.

GeneDx
Classification: Benign. Last evaluated: 2013-01-31. Review status: criteria provided, single submitter. Criteria: GeneDx Variant Classification (06012015). Collection method: clinical testing. Allele origin: germline. Affected: yes.
Comment: This variant is considered likely benign or benign based on one or more of the following criteria: it is a conservative change, it occurs at a poorly conserved position in the protein, it is predicted to be benign by multiple in silico algorithms, and/or has population frequency not consistent with disease.

Laboratory for Molecular Medicine, Mass General Brigham Personalized Medicine
Classification: Benign. Last evaluated: 2012-05-04. Review status: criteria provided, single submitter. Criteria: LMM Criteria. Collection method: clinical testing. Allele origin: germline. Observed: 46 variant alleles.

Breakthrough Genomics
Classification: Likely benign. Review status: criteria provided, single submitter. Criteria: ACMG Guidelines, 2015. Collection method: not provided. Allele origin: germline. Inheritance: Autosomal recessive inheritance. Affected: yes.

PreventionGenetics, part of Exact Sciences
Classification: Benign. Review status: criteria provided, single submitter. Criteria: ACMG Guidelines, 2015. Collection method: clinical testing. Allele origin: germline.

Clinical Genetics DNA and cytogenetics Diagnostics Lab, Erasmus MC, Erasmus Medical Center
Classification: Benign. Review status: no assertion criteria provided. Collection method: clinical testing. Allele origin: germline. Affected: yes. Study: VKGL Data-share Consensus. Not counted in ClinVar's aggregate classification.

Clinical Genetics, Academic Medical Center
Classification: Benign. Review status: no assertion criteria provided. Collection method: clinical testing. Allele origin: germline. Affected: yes. Study: VKGL Data-share Consensus. Not counted in ClinVar's aggregate classification.

Diagnostic Laboratory, Department of Genetics, University Medical Center Groningen
Classification: Likely benign. Review status: no assertion criteria provided. Collection method: clinical testing. Allele origin: germline. Affected: yes. Study: VKGL Data-share Consensus. Not counted in ClinVar's aggregate classification.

Joint Genome Diagnostic Labs from Nijmegen and Maastricht, Radboudumc and MUMC+
Classification: Benign. Review status: no assertion criteria provided. Collection method: clinical testing. Allele origin: germline. Affected: yes. Study: VKGL Data-share Consensus. Not counted in ClinVar's aggregate classification.

Laboratory of Diagnostic Genome Analysis, Leiden University Medical Center (LUMC)
Classification: Likely benign. Review status: no assertion criteria provided. Collection method: clinical testing. Allele origin: germline. Affected: yes. Study: VKGL Data-share Consensus. Not counted in ClinVar's aggregate classification.